The following is an entry in ClinVar:

ClinVar aggregate classification (germline): Uncertain significance. Review status: criteria provided, multiple submitters, no conflicts (2 of 4 stars). 2 submissions from 2 submitters: Uncertain significance (2). Last evaluated 2023-06-02.

Conditions:
Joubert syndrome 14 (JBTS14). Identifiers: MedGen C3280766, MONDO:0013745, OMIM 614424.
Inborn genetic diseases. Identifiers: MedGen C0950123, MeSH D030342.

Submissions (2):

Ambry Genetics
Classification: Uncertain significance for Inborn genetic diseases. Last evaluated: 2023-06-02. Review status: criteria provided, single submitter. Criteria: Ambry Variant Classification Scheme 2023. Collection method: clinical testing. Allele origin: germline.

Labcorp Genetics (formerly Invitae), Labcorp
Classification: Uncertain significance for Joubert syndrome 14. Last evaluated: 2022-07-14. Review status: criteria provided, single submitter. Criteria: Invitae Variant Classification Sherloc (09022015). Collection method: clinical testing. Allele origin: germline.
Comment: This sequence change replaces alanine, which is neutral and non-polar, with aspartic acid, which is acidic and polar, at codon 406 of the TMEM237 protein (p.Ala406Asp). This variant is not present in population databases (gnomAD no frequency). This variant has not been reported in the literature in individuals affected with TMEM237-related conditions. Algorithms developed to predict the effect of missense changes on protein structure and function are either unavailable or do not agree on the potential impact of this missense change (SIFT: "Deleterious"; PolyPhen-2: "Benign"; Align-GVGD: "Class C0"). In summary, the available evidence is currently insufficient to determine the role of this variant in disease. Therefore, it has been classified as a Variant of Uncertain Significance.

NM_001044385.3(TMEM237):c.1217C>A (p.Ala406Asp)

Gene: TMEM237 (transmembrane protein 237; minus strand). Cytogenetic location: 2q33.1.
Variant type: single nucleotide variant.
Coding change: c.1217C>A on transcript NM_001044385.3 (MANE Select); coding-DNA position 1217, C replaced by A.
Protein change: p.Ala406Asp; replaces alanine 406 with aspartic acid.
Molecular consequence: missense variant.
Genome position (GRCh38, 1-based): chr2:201,624,265, G>T on the plus strand (C>A on the coding strand, the complement: TMEM237 is on the minus strand). VCF-style: chr2-201624265-G-T. GRCh37 (hg19) VCF-style: chr2-202488988-G-T.
Other names: c.1193C>A, p.Ala398Asp (NM_152388.4); c.1217C>A (NM_001044385.1); short protein forms A398D, A406D.
Identifiers: ClinVar variation 1948356 (VCV001948356.7), dbSNP rs2469484835, ClinGen allele CA350303063.